The following is an entry in ClinVar:

ClinVar aggregate classification (germline): Uncertain significance. Review status: criteria provided, multiple submitters, no conflicts (2 of 4 stars). 2 submissions from 2 submitters: Uncertain significance (2). Last evaluated 2025-06-04.

Conditions:
Immunodeficiency 31B. Also called: IMMUNODEFICIENCY 31B, MYCOBACTERIAL AND VIRAL INFECTIONS, AUTOSOMAL RECESSIVE; STAT1 DEFICIENCY, AUTOSOMAL RECESSIVE. Identifiers: Orphanet 391311, MedGen C3151088, MONDO:0013427, OMIM 613796.
Autoimmune enteropathy and endocrinopathy - susceptibility to chronic infections syndrome. Also called: Immunodeficiency 31C, autosomal dominant; Immunodeficiency 31C. Identifiers: Orphanet 391487, MedGen C3279990, MONDO:0013599, OMIM 614162.
Mendelian susceptibility to mycobacterial diseases due to partial STAT1 deficiency. Also called: IMMUNODEFICIENCY 31A, MYCOBACTERIOSIS, AUTOSOMAL DOMINANT; STAT1 DEFICIENCY, AUTOSOMAL DOMINANT; Immunodeficiency 31a. Identifiers: Orphanet 319595, MedGen C4013950, MONDO:0013956, OMIM 614892.

gnomAD v4.1: 1 of 1,614,190 alleles (0.000062%); highest among the groups gnomAD compares: Non-Finnish European, 0.000085%; no homozygotes.

Submissions (2):

GeneDx
Classification: Uncertain significance. Last evaluated: 2025-06-04. Review status: criteria provided, single submitter. Criteria: GeneDx Variant Classification Process June 2021. Collection method: clinical testing. Allele origin: germline. Affected: yes.
Comment: Not observed at significant frequency in large population cohorts (gnomAD); In silico analysis supports that this missense variant has a deleterious effect on protein structure/function; Has not been previously published as pathogenic or benign to our knowledge

Labcorp Genetics (formerly Invitae), Labcorp
Classification: Uncertain significance for Mendelian susceptibility to mycobacterial diseases due to partial STAT1 deficiency; Immunodeficiency 31B; Autoimmune enteropathy and endocrinopathy - susceptibility to chronic infections syndrome. Last evaluated: 2023-05-06. Review status: criteria provided, single submitter. Criteria: Invitae Variant Classification Sherloc (09022015). Collection method: clinical testing. Allele origin: germline.
Comment: This sequence change replaces lysine, which is basic and polar, with threonine, which is neutral and polar, at codon 592 of the STAT1 protein (p.Lys592Thr). In summary, the available evidence is currently insufficient to determine the role of this variant in disease. Therefore, it has been classified as a Variant of Uncertain Significance. An algorithm developed to predict the effect of missense changes on protein structure and function (PolyPhen-2) suggests that this variant is likely to be disruptive. This variant has not been reported in the literature in individuals affected with STAT1-related conditions. This variant is not present in population databases (gnomAD no frequency).

NM_007315.4(STAT1):c.1775A>C (p.Lys592Thr)

Gene: STAT1 (signal transducer and activator of transcription 1; minus strand). Cytogenetic location: 2q32.2.
Variant type: single nucleotide variant.
Coding change: c.1775A>C on transcript NM_007315.4 (MANE Select); coding-DNA position 1775, A replaced by C.
Protein change: p.Lys592Thr; replaces lysine 592 with threonine.
Molecular consequence: missense variant.
Genome position (GRCh38, 1-based): chr2:190,978,954, T>G on the plus strand (A>C on the coding strand, the complement: STAT1 is on the minus strand). VCF-style: chr2-190978954-T-G. GRCh37 (hg19) VCF-style: chr2-191843680-T-G.
Other names: c.1769A>C, p.Lys590Thr (NM_001384882.1); c.1676A>C, p.Lys559Thr (NM_001384883.1); c.1715A>C, p.Lys572Thr (NM_001384880.1); c.1781A>C, p.Lys594Thr (NM_001384881.1, NM_001384884.1); c.1616A>C, p.Lys539Thr (NM_001384885.1); c.1775A>C, p.Lys592Thr (NM_001384886.1, NM_001384889.1, NM_139266.3); c.1682A>C, p.Lys561Thr (NM_001384887.1); c.1745A>C, p.Lys582Thr (NM_001384888.1); and 2 more; short protein forms K539T, K590T, K594T, K562T, K592T, K559T, K561T, K572T.
Identifiers: ClinVar variation 2937795 (VCV002937795.4), dbSNP rs2470427868, ClinGen allele CA349913712.
Genomic context (GRCh38, chr2:190,978,954, plus strand): 5'-ATGGCCCCTTCCCGGGAGCTCTCACTGAACCGCAGCAGGAAGGTCCCCGGCTGCTGGTCC[T>G]TCAACAGGGCACGCTCTCGCTCCTTGCTGATGAAGCCCATGATGCACCTGGATATCGAAG-3'
Protein context (NP_009330.1, residues 582-602): ISKERERALL[Lys592Thr]DQQPGTFLLR